The following is an entry in ClinVar:

NM_000432.4(MYL2):c.470A>G (p.His157Arg)

Gene: MYL2 (myosin light chain 2; minus strand). Cytogenetic location: 12q24.11.
Variant type: single nucleotide variant.
Coding change: c.470A>G on transcript NM_000432.4 (MANE Select); coding-DNA position 470, A replaced by G.
Protein change: p.His157Arg; replaces histidine 157 with arginine.
Molecular consequence: missense variant.
Genome position (GRCh38, 1-based): chr12:110,911,108, T>C on the plus strand (A>G on the coding strand, the complement: MYL2 is on the minus strand). VCF-style: chr12-110911108-T-C. GRCh37 (hg19) VCF-style: chr12-111348912-T-C.
Other names: p.H157R:CAC>CGC; short protein forms H157R.
Identifiers: ClinVar variation 181435 (VCV000181435.16), dbSNP rs730880951, ClinGen allele CA010412.

ClinVar aggregate classification (germline): Uncertain significance. Review status: criteria provided, multiple submitters, no conflicts (2 of 4 stars). 4 submissions from 4 submitters: Uncertain significance (4). Last evaluated 2025-07-15.

Conditions:
Cardiovascular phenotype. Identifiers: MedGen CN230736.
Hypertrophic cardiomyopathy 10. Also called: MYL2-Related Familial Hypertrophic Cardiomyopathy; CARDIOMYOPATHY, HYPERTROPHIC, MID-LEFT VENTRICULAR CHAMBER TYPE, 2. Identifiers: MedGen C1834460, MONDO:0012112, OMIM 608758.

Submissions (4):

Ambry Genetics
Classification: Uncertain significance for Cardiovascular phenotype. Last evaluated: 2025-07-15. Review status: criteria provided, single submitter. Criteria: Ambry Variant Classification Scheme 2023. Collection method: clinical testing. Allele origin: germline.
Comment: The p.H157R variant (also known as c.470A>G), located in coding exon 7 of the MYL2 gene, results from an A to G substitution at nucleotide position 470. The histidine at codon 157 is replaced by arginine, an amino acid with highly similar properties. This amino acid position is conserved. In addition, the in silico prediction for this alteration is inconclusive. Based on the available evidence, the clinical significance of this variant remains unclear.

Labcorp Genetics (formerly Invitae), Labcorp
Classification: Uncertain significance for Hypertrophic cardiomyopathy 10. Last evaluated: 2025-01-17. Review status: criteria provided, single submitter. Criteria: Invitae Variant Classification Sherloc (09022015). Collection method: clinical testing. Allele origin: germline.
Comment: This sequence change replaces histidine, which is basic and polar, with arginine, which is basic and polar, at codon 157 of the MYL2 protein (p.His157Arg). This variant is not present in population databases (gnomAD no frequency). This missense change has been observed in individual(s) with hypertrophic cardiomyopathy (internal data). ClinVar contains an entry for this variant (Variation ID: 181435). An algorithm developed to predict the effect of missense changes on protein structure and function (PolyPhen-2) suggests that this variant is likely to be tolerated. Algorithms developed to predict the effect of sequence changes on RNA splicing suggest that this variant may create or strengthen a splice site. In summary, the available evidence is currently insufficient to determine the role of this variant in disease. Therefore, it has been classified as a Variant of Uncertain Significance.

GeneDx
Classification: Uncertain significance. Last evaluated: 2019-12-27. Review status: criteria provided, single submitter. Criteria: GeneDx Variant Classification Process June 2021. Collection method: clinical testing. Allele origin: germline. Affected: yes.
Comment: Has not been previously published as pathogenic or benign to our knowledge; Not observed in large population cohorts (Lek et al., 2016); In silico analysis, which includes protein predictors and evolutionary conservation, supports a deleterious effect

Stanford Center for Inherited Cardiovascular Disease, Stanford University
Classification: Uncertain significance. Last evaluated: 2015-01-08. Review status: criteria provided, single submitter. Criteria: ACMG Guidelines, 2015. Collection method: provider interpretation. Allele origin: germline.